The following is an entry in ClinVar:

NC_000018.9:g.(?_28673522)_(28673606_?)del

Gene: DSC2 (desmocollin 2; minus strand). Cytogenetic location: 18q12.1.
Variant type: Deletion.
Identifiers: ClinVar variation 2426821 (VCV002426821.3).

ClinVar aggregate classification (germline): Pathogenic (1 of 4 stars; one submission).

Conditions:
Arrhythmogenic right ventricular dysplasia 11. Also called: Arrhythmogenic Right Ventricular Dysplasia/Cardiomyopathy11; ARRHYTHMOGENIC RIGHT VENTRICULAR DYSPLASIA, FAMILIAL, 11; Arrhythmogenic right ventricular dysplasia 11 with mild palmoplantar keratoderma and woolly hair. Identifiers: MedGen C1864850, MONDO:0012506, OMIM 610476.

Submission:

Labcorp Genetics (formerly Invitae), Labcorp
Classification: Pathogenic for Arrhythmogenic right ventricular dysplasia 11. Last evaluated: 2022-02-23. Review status: criteria provided, single submitter. Criteria: Invitae Variant Classification Sherloc (09022015). Collection method: clinical testing. Allele origin: germline.
Comment: For these reasons, this variant has been classified as Pathogenic. This variant has not been reported in the literature in individuals affected with DSC2-related conditions. This variant is a gross deletion of the genomic region encompassing exon(s) 2 of the DSC2 gene. This deletion is out-of-frame, and is expected to create a premature termination codon and result in an absent or disrupted protein product. Loss-of-function variants in DSC2 are known to be pathogenic (PMID: 23911551).

Literature cited by the submitters: PubMed 23911551.